The following is an entry in ClinVar:

ClinVar aggregate classification (germline): Conflicting classifications of pathogenicity. Review status: criteria provided, conflicting classifications (1 of 4 stars). 2 submissions from 2 submitters: Uncertain significance (1); Likely benign (1). Last evaluated 2023-12-04.

Conditions:
Cardiomyopathy (CMYO). Also called: Cardiomyopathies. Identifiers: Orphanet 167848, MedGen C0878544, MONDO:0004994, HP:0001638. Inheritance: Various modes of inheritance.
Catecholaminergic polymorphic ventricular tachycardia 1. Also called: VENTRICULAR TACHYCARDIA, CATECHOLAMINERGIC POLYMORPHIC, 1, WITH OR WITHOUT ATRIAL DYSFUNCTION AND/OR DILATED CARDIOMYOPATHY; VENTRICULAR TACHYCARDIA, STRESS-INDUCED POLYMORPHIC 1; RYR2-Related Catecholaminergic Polymorphic Ventricular Tachycardia. Identifiers: Orphanet 3286, MedGen C1631597, MONDO:0011484, OMIM 604772.

Allele frequency attached by ClinVar (database versions not stated): gnomAD exomes below 0.00001.
gnomAD v4.1: 3 of 1,612,284 alleles (0.00019%); highest among the groups gnomAD compares: African/African-American, 0.0027%; no homozygotes.

Submissions (2):

Labcorp Genetics (formerly Invitae), Labcorp
Classification: Uncertain significance for Catecholaminergic polymorphic ventricular tachycardia 1. Last evaluated: 2023-12-04. Review status: criteria provided, single submitter. Criteria: Invitae Variant Classification Sherloc (09022015). Collection method: clinical testing. Allele origin: germline.
Comment: This sequence change falls in intron 10 of the RYR2 gene. It does not directly change the encoded amino acid sequence of the RYR2 protein. It affects a nucleotide within the consensus splice site. This variant is not present in population databases (gnomAD no frequency). This variant has not been reported in the literature in individuals affected with RYR2-related conditions. ClinVar contains an entry for this variant (Variation ID: 925950). Variants that disrupt the consensus splice site are a relatively common cause of aberrant splicing (PMID: 17576681, 9536098). Algorithms developed to predict the effect of sequence changes on RNA splicing suggest that this variant is not likely to affect RNA splicing. In summary, the available evidence is currently insufficient to determine the role of this variant in disease. Therefore, it has been classified as a Variant of Uncertain Significance.

Color Diagnostics, LLC DBA Color Health
Classification: Likely benign for Cardiomyopathy. Last evaluated: 2019-01-31. Review status: criteria provided, single submitter. Criteria: ACMG Guidelines, 2015. Collection method: clinical testing. Allele origin: germline.

Literature cited by the submitters: PubMed 17576681 (cited by Labcorp Genetics (formerly Invitae), Labcorp); PubMed 9536098 (cited by Labcorp Genetics (formerly Invitae), Labcorp).

NM_001035.3(RYR2):c.773+4A>G

Gene: RYR2 (ryanodine receptor 2; plus strand). Cytogenetic location: 1q43.
Variant type: single nucleotide variant.
Coding change: c.773+4A>G on transcript NM_001035.3 (MANE Select); 4 bases into the intron after coding-DNA position 773, A replaced by G.
Molecular consequence: intron variant.
Genome position (GRCh38, 1-based): chr1:237,388,187, A>G. VCF-style: chr1-237388187-A-G. GRCh37 (hg19) VCF-style: chr1-237551487-A-G.
Identifiers: ClinVar variation 925950 (VCV000925950.5), dbSNP rs1702097862, ClinGen allele CA913187576.